The following is an entry in ClinVar:

ClinVar aggregate classification (germline): Likely benign. Review status: criteria provided, multiple submitters, no conflicts (2 of 4 stars). 2 submissions from 2 submitters: Likely benign (2). Last evaluated 2025-08-01.

Conditions:
Dilated cardiomyopathy 1O (CMD1O). Also called: CARDIOMYOPATHY, DILATED, WITH VENTRICULAR TACHYCARDIA. Identifiers: Orphanet 154, MedGen C1837839, MONDO:0012062, OMIM 608569.

Submissions (2):

CeGaT Center for Human Genetics Tuebingen
Classification: Likely benign. Last evaluated: 2025-08-01. Review status: criteria provided, single submitter. Criteria: CeGaT Center For Human Genetics Tuebingen Variant Classification Criteria Version 2. Collection method: clinical testing. Allele origin: germline. Affected: yes. Observed: 1 variant allele.
Comment: ABCC9: PM2:Supporting, BP4, BP7

Labcorp Genetics (formerly Invitae), Labcorp
Classification: Likely benign for Dilated cardiomyopathy 1O. Last evaluated: 2024-03-26. Review status: criteria provided, single submitter. Criteria: Invitae Variant Classification Sherloc (09022015). Collection method: clinical testing. Allele origin: germline.

NM_020297.4(ABCC9):c.3498T>C (p.Ser1166=)

Gene: ABCC9 (ATP binding cassette subfamily C member 9; minus strand). Cytogenetic location: 12p12.1.
Variant type: single nucleotide variant.
Coding change: c.3498T>C on transcript NM_020297.4 (MANE Select); coding-DNA position 3498, T replaced by C.
Protein change: p.Ser1166=; no amino-acid change (serine 1166 retained).
Molecular consequence: synonymous variant.
Genome position (GRCh38, 1-based): chr12:21,838,146, A>G on the plus strand (T>C on the coding strand, the complement: ABCC9 is on the minus strand). VCF-style: chr12-21838146-A-G. GRCh37 (hg19) VCF-style: chr12-21991080-A-G.
Other names: c.3498T>C, p.Ser1166= (NM_001377273.1, NM_005691.4); c.2631T>C, p.Ser877= (NM_001377274.1).
Identifiers: ClinVar variation 2875807 (VCV002875807.11), dbSNP rs2541026059, ClinGen allele CA478874930.